The following is an entry in ClinVar:

ClinVar aggregate classification (germline): Uncertain significance (1 of 4 stars; one submission).

Conditions:
Baller-Gerold syndrome (BGS). Also called: CRANIOSYNOSTOSIS WITH RADIAL DEFECTS. Identifiers: Orphanet 1225, MedGen C0265308, MONDO:0009039, OMIM 218600.

Submission:

Labcorp Genetics (formerly Invitae), Labcorp
Classification: Uncertain significance for Baller-Gerold syndrome. Last evaluated: 2022-07-25. Review status: criteria provided, single submitter. Criteria: Invitae Variant Classification Sherloc (09022015). Collection method: clinical testing. Allele origin: germline.
Comment: In summary, the available evidence is currently insufficient to determine the role of this variant in disease. Therefore, it has been classified as a Variant of Uncertain Significance. Experimental studies and prediction algorithms are not available or were not evaluated, and the functional significance of this variant is currently unknown. This variant has not been reported in the literature in individuals affected with RECQL4-related conditions. This variant is present in population databases (no rsID available, gnomAD 0.003%). This sequence change replaces proline, which is neutral and non-polar, with arginine, which is basic and polar, at codon 737 of the RECQL4 protein (p.Pro737Arg).

NM_004260.4(RECQL4):c.2210C>G (p.Pro737Arg)

Gene: RECQL4 (RecQ like helicase 4; minus strand). Cytogenetic location: 8q24.3.
Variant type: single nucleotide variant.
Coding change: c.2210C>G on transcript NM_004260.4 (MANE Select); coding-DNA position 2210, C replaced by G.
Protein change: p.Pro737Arg; replaces proline 737 with arginine.
Molecular consequence: missense variant.
Genome position (GRCh38, 1-based): chr8:144,513,471, G>C on the plus strand (C>G on the coding strand, the complement: RECQL4 is on the minus strand). VCF-style: chr8-144513471-G-C. GRCh37 (hg19) VCF-style: chr8-145738855-G-C.
Other names: c.1073C>G, p.Pro358Arg (NM_001413030.1, NM_001413032.1, NM_001413041.1 and 1 more transcripts); c.941C>G, p.Pro314Arg (NM_001413031.1); c.2078C>G, p.Pro693Arg (NM_001413033.1); c.1139C>G, p.Pro380Arg (NM_001413034.1, NM_001413035.1, NM_001413038.1 and 6 more transcripts); c.2210C>G, p.Pro737Arg (NM_001413036.1, NM_001413018.1, NM_001413019.1); c.1007C>G, p.Pro336Arg (NM_001413037.1); c.2180C>G, p.Pro727Arg (NM_001413039.1); c.1859C>G, p.Pro620Arg (NM_001413029.1); and 4 more; short protein forms P314R, P620R, P694R, P727R, P737R, P336R, P693R, P705R.
Identifiers: ClinVar variation 1907751 (VCV001907751.5), dbSNP rs773886849, ClinGen allele CA372679452.